The following is an entry in ClinVar:

ClinVar aggregate classification (germline): Pathogenic/Likely pathogenic. Review status: criteria provided, multiple submitters, no conflicts (2 of 4 stars). 7 submissions from 7 submitters: Pathogenic (3); Likely pathogenic (2). 2 of the submissions do not count toward it. Last evaluated 2023-05-19.

Conditions:
BRCA1-related disorder. Also called: BRCA1-related condition.
Hereditary cancer-predisposing syndrome. Also called: Hereditary Cancer Syndrome; Hereditary neoplastic syndrome; Neoplastic Syndromes, Hereditary; Tumor predisposition. Identifiers: Orphanet 140162, MedGen C0027672, MeSH D009386, MONDO:0015356.
Breast-ovarian cancer, familial, susceptibility to, 1 (BROVCA1). Also called: BRCA1 Hereditary Breast and Ovarian Cancer; OVARIAN CANCER, SUSCEPTIBILITY TO. Identifiers: Orphanet 145, MedGen C2676676, MONDO:0011450, OMIM 604370. Disease mechanism: loss of function.
Hereditary breast ovarian cancer syndrome. Also called: BRCA1- and BRCA2-Associated Hereditary Breast and Ovarian Cancer; Hereditary breast and ovarian cancer syndrome; Hereditary breast and ovarian cancer syndrome (HBOC); Breast and ovarian cancer; Hereditary breast and/or ovarian cancer syndrome; Hereditary breast and ovarian cancer. Identifiers: Orphanet 145, MedGen C0677776, MeSH D061325, MONDO:0003582. Disease mechanism: loss of function.

Submissions (7):

Ambry Genetics
Classification: Pathogenic for Hereditary cancer-predisposing syndrome. Last evaluated: 2023-05-19. Review status: criteria provided, single submitter. Criteria: Ambry Variant Classification Scheme 2023. Collection method: clinical testing. Allele origin: germline.
Comment: The c.4357+2T>G intronic pathogenic mutation results from a T to G substitution two nucleotides after coding exon 11 in the BRCA1 gene. This alteration has been observed in ovarian cancer cohorts (Ratajska M et al. J Appl Genet 2015 May;56(2):193-8; Koczkowska M et al. Cancer Med 2016 Jul;5(7):1640-6). This nucleotide position is well conserved in available vertebrate species. In silico splice site analysis predicts that this alteration will weaken the native splice donor site. Other alterations impacting the same donor site (c.4357+1G>A, c.4357+1G>T) have been shown to have a similar impact on splicing (Ambry internal data; Thomassen M et al. Breast Cancer Res Treat 2012 Apr;132:1009-23; Men&eacute;ndez M et al. Breast Cancer Res Treat 2012 Apr;132(3):979-92). Alterations that disrupt the canonical splice site are expected to cause aberrant splicing, resulting in an abnormal protein or a transcript that is subject to nonsense-mediated mRNA decay. As such, this alteration is classified as a disease-causing mutation.

Blueprint Genetics
Classification: Likely pathogenic for BRCA1-related disorders. Last evaluated: 2023-04-06. Review status: criteria provided, single submitter. Criteria: ACMG Guidelines, 2015. Collection method: clinical testing. Allele origin: germline. Affected: yes. Observed: 1 variant allele.

Labcorp Genetics (formerly Invitae), Labcorp
Classification: Pathogenic for Hereditary breast ovarian cancer syndrome. Last evaluated: 2022-10-28. Review status: criteria provided, single submitter. Criteria: Invitae Variant Classification Sherloc (09022015). Collection method: clinical testing. Allele origin: germline.
Comment: For these reasons, this variant has been classified as Pathogenic. Studies have shown that disruption of this splice site alters mRNA splicing and is expected to lead to the loss of protein expression (PMID: 21735045, 24667779). ClinVar contains an entry for this variant (Variation ID: 91629). Disruption of this splice site has been observed in individual(s) with ovarian cancer (PMID: 25366421, 27167707). This variant is not present in population databases (gnomAD no frequency). This sequence change affects a donor splice site in intron 12 of the BRCA1 gene. RNA analysis indicates that disruption of this splice site induces altered splicing and may result in an absent or disrupted protein product.

Color Diagnostics, LLC DBA Color Health
Classification: Likely pathogenic for Hereditary cancer-predisposing syndrome. Last evaluated: 2022-02-09. Review status: criteria provided, single submitter. Criteria: ACMG Guidelines, 2015. Collection method: clinical testing. Allele origin: germline.
Comment: This variant causes a T to G nucleotide substitution at the +2 position of intron 12 of the BRCA1 gene. This variant is also known as IVS13+2T>G based on Breast Cancer Information Core (BIC) nomenclature. Splice site prediction tools predict that this variant may have a significant impact on RNA splicing. Although this prediction has not been confirmed in published RNA studies, this variant is expected to result in an absent or disrupted protein product. This variant has been reported in individuals affected with ovarian cancer (PMID: 25366421, 27167707), and in hereditary breast cancer families (PMID: 27983536). This variant has not been identified in the general population by the Genome Aggregation Database (gnomAD). Different variants affecting the same splice donor site, c.4357+2T>A, c.4357+2T>C, c.4357+1G>A, c.4357+1G>C and c.4357+1G>T, are known to be disease-causing (ClinVar variation ID: 1076429, 55180, 37584, 55177, 55178). Loss of BRCA1 function is a known mechanism of disease. Based on the available evidence, this variant is classified as Likely Pathogenic.

GeneDx
Classification: Pathogenic. Last evaluated: 2016-08-16. Review status: criteria provided, single submitter. Criteria: GeneDx Variant Classification (06012015). Collection method: clinical testing. Allele origin: germline. Affected: yes.
Comment: This variant is denoted BRCA1 c.4357+2T>G or IVS12+2T>G and consists of a T>G nucleotide substitution at the +2 position of intron 12 of the BRCA1 gene. Using alternate nomenclature, this variant would be defined as/ has previously been published as BRCA1 4476+2T>G. This variant destroys a canonical splice donor site and is predicted to cause abnormal gene splicing, leading to either an abnormal message that is subject to nonsense-mediated mRNA decay or to an abnormal protein product. This variant has been reported in at least two women with a history of serous ovarian cancer (Ratajska 2015, Koczkowska 2016) We consider this variant to be pathogenic. Based on the current evidence, we consider this variant to be pathogenic.

Sharing Clinical Reports Project (SCRP)
Classification: Pathogenic for Breast-ovarian cancer, familial 1. Last evaluated: 2012-09-24. Review status: no assertion criteria provided. Collection method: clinical testing. Allele origin: germline. Not counted in ClinVar's aggregate classification.

Breast Cancer Information Core (BIC) (BRCA1)
Classification: Pathogenic for Breast-ovarian cancer, familial 1. Last evaluated: 1999-06-22. Review status: no assertion criteria provided. Collection method: clinical testing. Allele origin: germline. Affected: yes. Observed: 1 variant allele. Not counted in ClinVar's aggregate classification.

Literature cited by the submitters: PubMed 25366421 (cited by 3 submitters); PubMed 27167707 (cited by 3 submitters); PubMed 21735045 (cited by Labcorp Genetics (formerly Invitae), Labcorp); PubMed 24667779 (cited by Labcorp Genetics (formerly Invitae), Labcorp); PubMed 27983536 (cited by Color Diagnostics, LLC DBA Color Health).

NM_007294.4(BRCA1):c.4357+2T>G

Gene: BRCA1 (BRCA1 DNA repair associated; minus strand). Cytogenetic location: 17q21.31.
Variant type: single nucleotide variant.
Coding change: c.4357+2T>G on transcript NM_007294.4 (MANE Select); the canonical splice donor site of the intron after coding-DNA position 4357, T replaced by G.
Molecular consequence: splice donor variant.
Genome position (GRCh38, 1-based): chr17:43,082,402, A>C on the plus strand (T>G on the coding strand, the complement: BRCA1 is on the minus strand). VCF-style: chr17-43082402-A-C. GRCh37 (hg19) VCF-style: chr17-41234419-A-C.
Other names: IVS13+2T>G; c.904+2T>G (NM_001408463.1, NM_001408462.1, NM_001408464.1 and 5 more transcripts); c.4210+2T>G (NM_001407847.1, NM_001407849.1, NM_001407848.1); c.4213+2T>G (NM_001407740.1, NM_001407841.1, NM_001407838.1 and 23 more transcripts); c.784+2T>G (NM_001408499.1, NM_001408498.1, NM_001408496.1 and 3 more transcripts); c.4090+2T>G (NM_001407933.1, NM_001407932.1, NM_001407930.1 and 3 more transcripts); c.4093+2T>G (NM_001407927.1, NM_001407923.1, NM_001407920.1 and 7 more transcripts); c.4216+2T>G (NM_001407739.1, NM_001407725.1, NM_001407727.1 and 23 more transcripts); and 52 more.
Identifiers: ClinVar variation 91629 (VCV000091629.20), dbSNP rs80358152, ClinGen allele CA002792.